The following is an entry in ClinVar:

NM_001286577.2(C2CD3):c.3871G>C (p.Glu1291Gln)

Gene: C2CD3 (C2 domain containing 3 centriole elongation regulator; minus strand). Cytogenetic location: 11q13.4.
Variant type: single nucleotide variant.
Coding change: c.3871G>C on transcript NM_001286577.2 (MANE Select); coding-DNA position 3871, G replaced by C.
Protein change: p.Glu1291Gln; replaces glutamic acid 1291 with glutamine.
Molecular consequence: missense variant.
Genome position (GRCh38, 1-based): chr11:74,085,657, C>G on the plus strand (G>C on the coding strand, the complement: C2CD3 is on the minus strand). VCF-style: chr11-74085657-C-G. GRCh37 (hg19) VCF-style: chr11-73796702-C-G.
Other names: c.3871G>C, p.Glu1291Gln (NM_015531.6); short protein forms E1291Q.
Identifiers: ClinVar variation 3368664 (VCV003368664.1).
Genomic context (GRCh38, chr11:74,085,657, plus strand): 5'-GACAAGTCATATGGTGCTCACCTGACTTGGTATTTTCATGATAGACAGCAAAAATAACTT[C>G]TGCAAACTCCAACAACTCTGCTAGGAAACAGGCCTCTCCACTACAGTGCTGAGTCACCAA-3'
Protein context (NP_001273506.1, residues 1281-1301): CFLAELLEFA[Glu1291Gln]VIFAVYHENT

ClinVar aggregate classification (germline): Uncertain significance (1 of 4 stars; one submission).

Submission:

GeneDx
Classification: Uncertain significance. Last evaluated: 2024-02-07. Review status: criteria provided, single submitter. Criteria: GeneDx Variant Classification Process June 2021. Collection method: clinical testing. Allele origin: germline. Affected: yes.
Comment: Not observed at significant frequency in large population cohorts (gnomAD); In silico analysis supports that this missense variant does not alter protein structure/function; Has not been previously published as pathogenic or benign to our knowledge